The following is an entry in ClinVar:

ClinVar aggregate classification (germline): Uncertain significance (1 of 4 stars; one submission).

Conditions:
Cardiovascular phenotype. Identifiers: MedGen CN230736.

Allele frequency attached by ClinVar (database versions not stated): gnomAD exomes 0.00001; TOPMed 0.00001; ExAC 0.00003.

Submission:

Ambry Genetics
Classification: Uncertain significance for Cardiovascular phenotype. Last evaluated: 2024-10-15. Review status: criteria provided, single submitter. Criteria: Ambry Variant Classification Scheme 2023. Collection method: clinical testing. Allele origin: germline.
Comment: The p.Q39R variant (also known as c.116A>G), located in coding exon 2 of the APOE gene, results from an A to G substitution at nucleotide position 116. The glutamine at codon 39 is replaced by arginine, an amino acid with highly similar properties. This amino acid position is well conserved in available vertebrate species. In addition, this alteration is predicted to be tolerated by in silico analysis. Based on the available evidence, the clinical significance of this variant remains unclear.

NM_000041.4(APOE):c.116A>G (p.Gln39Arg)

Gene: APOE (apolipoprotein E; plus strand). Cytogenetic location: 19q13.32.
Variant type: single nucleotide variant.
Coding change: c.116A>G on transcript NM_000041.4 (MANE Select); coding-DNA position 116, A replaced by G.
Protein change: p.Gln39Arg; replaces glutamine 39 with arginine.
Molecular consequence: missense variant.
Genome position (GRCh38, 1-based): chr19:44,907,832, A>G. VCF-style: chr19-44907832-A-G. GRCh37 (hg19) VCF-style: chr19-45411089-A-G.
Other names: c.194A>G, p.Gln65Arg (NM_001302688.2); c.116A>G, p.Gln39Arg (NM_001302689.2, NM_001302690.2, NM_001302691.2); short protein forms Q39R, Q65R.
Identifiers: ClinVar variation 3127998 (VCV003127998.2), dbSNP rs756353413, ClinGen allele CA9505979.